The following is an entry in ClinVar:

NM_000051.4(ATM):c.6795C>G (p.Phe2265Leu)

Genes: ATM (ATM serine/threonine kinase; plus strand), C11orf65 (chromosome 11 open reading frame 65; minus strand). Cytogenetic location: 11q22.3.
Variant type: single nucleotide variant.
Coding change: c.6795C>G on transcript NM_000051.4 (MANE Select); coding-DNA position 6795, C replaced by G.
Protein change: p.Phe2265Leu; replaces phenylalanine 2265 with leucine.
Molecular consequence: missense variant. On other transcripts: intron variant (2).
Genome position (GRCh38, 1-based): chr11:108,325,532, C>G. VCF-style: chr11-108325532-C-G. GRCh37 (hg19) VCF-style: chr11-108196259-C-G.
Other names: c.6795C>G, p.Phe2265Leu (NM_001351834.2); c.641-16461G>C (NM_001330368.2); c.*38+9688G>C (NM_001351110.2); short protein forms F2265L.
Identifiers: ClinVar variation 231356 (VCV000231356.27), dbSNP rs3218699, ClinGen allele CA6266008.

ClinVar aggregate classification (germline): Uncertain significance. Review status: criteria provided, multiple submitters, no conflicts (2 of 4 stars). 6 submissions from 6 submitters: Uncertain significance (4). 2 of the submissions do not count toward it. Last evaluated 2026-01-10.

Conditions:
ATM-related disorder. Also called: ATM-related disorders; ATM-related condition.
Hereditary cancer-predisposing syndrome. Also called: Neoplastic Syndromes, Hereditary; Hereditary neoplastic syndrome; Tumor predisposition; Hereditary Cancer Syndrome. Identifiers: Orphanet 140162, MedGen C0027672, MeSH D009386, MONDO:0015356.
Familial cancer of breast. Also called: hereditary breast carcinoma; Hereditary breast cancer; BREAST CANCER, FAMILIAL. Identifiers: Orphanet 227535, MedGen C0346153, MONDO:0016419, OMIM 114480. Disease mechanism: loss of function.
Ataxia-telangiectasia syndrome (AT). Also called: Ataxia telangiectasia (A-T); Cerebello-oculocutaneous telangiectasia; Immunodeficiency with ataxia telangiectasia; LOUIS-BAR SYNDROME; AT, COMPLEMENTATION GROUP C; ATAXIA-TELANGIECTASIA, FRESNO VARIANT. Identifiers: Orphanet 100, MedGen C0004135, MONDO:0008840, OMIM 208900.

gnomAD v4.1: 1 of 1,601,744 alleles (0.000062%); highest among the groups gnomAD compares: Non-Finnish European, 0.000085%; no homozygotes.

Submissions (6):

Labcorp Genetics (formerly Invitae), Labcorp
Classification: Uncertain significance for Ataxia-telangiectasia syndrome. Last evaluated: 2026-01-10. Review status: criteria provided, single submitter. Criteria: Invitae Variant Classification Sherloc (09022015). Collection method: clinical testing. Allele origin: germline.
Comment: This sequence change replaces phenylalanine, which is neutral and non-polar, with leucine, which is neutral and non-polar, at codon 2265 of the ATM protein (p.Phe2265Leu). This variant is not present in population databases (gnomAD no frequency). This missense change has been observed in individual(s) with ovarian cancer (PMID: 26689913). ClinVar contains an entry for this variant (Variation ID: 231356). Invitae Evidence Modeling of protein sequence and biophysical properties (such as structural, functional, and spatial information, amino acid conservation, physicochemical variation, residue mobility, and thermodynamic stability) indicates that this missense variant is not expected to disrupt ATM protein function with a negative predictive value of 95%. In summary, the available evidence is currently insufficient to determine the role of this variant in disease. Therefore, it has been classified as a Variant of Uncertain Significance.

Ambry Genetics
Classification: Uncertain significance for Hereditary cancer-predisposing syndrome. Last evaluated: 2025-05-03. Review status: criteria provided, single submitter. Criteria: Ambry Variant Classification Scheme 2023. Collection method: clinical testing. Allele origin: germline.
Comment: The p.F2265L variant (also known as c.6795C>G), located in coding exon 45 of the ATM gene, results from a C to G substitution at nucleotide position 6795. The phenylalanine at codon 2265 is replaced by leucine, an amino acid with highly similar properties. This amino acid position is not well conserved in available vertebrate species. In addition, this alteration is predicted to be tolerated by in silico analysis. Since supporting evidence is limited at this time, the clinical significance of this alteration remains unclear.

Women's Health and Genetics/Laboratory Corporation of America, LabCorp
Classification: Uncertain significance. Last evaluated: 2022-09-26. Review status: criteria provided, single submitter. Criteria: LabCorp Variant Classification Summary - May 2015. Collection method: clinical testing. Allele origin: germline.
Comment: Variant summary: ATM c.6795C>G (p.Phe2265Leu) results in a non-conservative amino acid change located in the PIK-related kinase, FAT (IPR003151) of the encoded protein sequence. Three of five in-silico tools predict a benign effect of the variant on protein function. The variant allele was found at a frequency of 4e-06 in 247590 control chromosomes. The available data on variant occurrences in the general population are insufficient to allow any conclusion about variant significance. To our knowledge, no occurrence of c.6795C>G in individuals affected with Breast Cancer and no experimental evidence demonstrating its impact on protein function have been reported. Three clinical diagnostic laboratories have submitted clinical-significance assessments for this variant to ClinVar after 2014 and classified the variant as uncertain significance. Based on the evidence outlined above, the variant was classified as uncertain significance.

Fulgent Genetics
Classification: Uncertain significance for Familial cancer of breast; Ataxia-telangiectasia syndrome. Last evaluated: 2021-12-11. Review status: criteria provided, single submitter. Criteria: ACMG Guidelines, 2015. Collection method: clinical testing. Allele origin: unknown.

PreventionGenetics, part of Exact Sciences
Classification: Uncertain significance for ATM-related condition. Last evaluated: 2024-09-12. Review status: no assertion criteria provided. Collection method: clinical testing. Allele origin: germline. Not counted in ClinVar's aggregate classification.
Comment: The ATM c.6795C>G variant is predicted to result in the amino acid substitution p.Phe2265Leu. To our knowledge, this variant has not been reported in the literature. This variant is reported in 0.00089% of alleles in individuals of European (Non-Finnish) descent in gnomAD. This variant has an interpretation of uncertain significance in ClinVar. At this time, the clinical significance of this variant is uncertain due to the absence of conclusive functional and genetic evidence.

Natera, Inc.
Classification: Uncertain significance for Ataxia-telangiectasia. Last evaluated: 2021-06-07. Review status: no assertion criteria provided. Collection method: clinical testing. Allele origin: germline. Not counted in ClinVar's aggregate classification.

Literature cited by the submitters: PubMed 26689913 (cited by Labcorp Genetics (formerly Invitae), Labcorp and Women's Health and Genetics/Laboratory Corporation of America, LabCorp).